The following is an entry in ClinVar:

NM_018046.5(AGGF1):c.397G>A (p.Glu133Lys)

Gene: AGGF1 (angiogenic factor with G-patch and FHA domains 1; plus strand). Cytogenetic location: 5q13.3.
Variant type: single nucleotide variant.
Coding change: c.397G>A on transcript NM_018046.5 (MANE Select); coding-DNA position 397, G replaced by A.
Protein change: p.Glu133Lys; replaces glutamic acid 133 with lysine.
Molecular consequence: missense variant.
Genome position (GRCh38, 1-based): chr5:77,035,624, G>A. VCF-style: chr5-77035624-G-A. GRCh37 (hg19) VCF-style: chr5-76331449-G-A.
Other names: short protein forms E133K.
Identifiers: ClinVar variation 402345 (VCV000402345.24), dbSNP rs34203073, ClinGen allele CA3314179.
Genomic context (GRCh38, chr5:77,035,624, plus strand): 5'-AATGACGTTAGTCTTCCAAATAAAGTGACTGAACTGTCAGATCAACAAGATCAAGCTATC[G>A]AAACTTCTATTTTGAATTCTAAAGACCATTTACAAGTAGAAAATGATGCTTACCCTGGTA-3'
Protein context (NP_060516.2, residues 123-143): ELSDQQDQAI[Glu133Lys]TSILNSKDHL

ClinVar aggregate classification (germline): Benign/Likely benign. Review status: criteria provided, multiple submitters, no conflicts (2 of 4 stars). 4 submissions from 4 submitters: Benign (2); Likely benign (2). Last evaluated 2026-01-01.

Allele frequency attached by ClinVar (database versions not stated): 1000 Genomes Project 30x 0.00703; 1000 Genomes Project 0.00779; ExAC 0.00970; gnomAD 0.00998 and 0.01003; gnomAD exomes 0.01017 and 0.01417; TOPMed 0.01042; ESP Exome Variant Server 0.01423.
gnomAD v4.1: 22,291 of 1,613,410 alleles (1.4%); highest among the groups gnomAD compares: Middle Eastern, 2.6%; 196 homozygotes.

Submissions (4):

CeGaT Center for Human Genetics Tuebingen
Classification: Benign. Last evaluated: 2026-01-01. Review status: criteria provided, single submitter. Criteria: CeGaT Center For Human Genetics Tuebingen Variant Classification Criteria Version 2. Collection method: clinical testing. Allele origin: germline. Affected: yes. Observed: 2 variant alleles.
Comment: AGGF1: BP4, BS1, BS2

GeneDx
Classification: Benign. Last evaluated: 2018-12-06. Review status: criteria provided, single submitter. Criteria: GeneDx Variant Classification Process June 2021. Collection method: clinical testing. Allele origin: germline. Affected: yes.
Comment: This variant is associated with the following publications: (PMID: 27884173, 14961121, 16443853)

Laboratory for Molecular Medicine, Mass General Brigham Personalized Medicine
Classification: Likely benign. Last evaluated: 2016-03-29. Review status: criteria provided, single submitter. Criteria: LMM Criteria. Collection method: clinical testing. Allele origin: germline.
Comment: Variant identified in a genome or exome case(s) and assessed due to predicted null impact of the variant or pathogenic assertions in the literature or databases. Disclaimer: This variant has not undergone full assessment. The following are preliminary notes: Frequency in ESP (all): 185/13004=1.4%

Breakthrough Genomics
Classification: Likely benign. Review status: criteria provided, single submitter. Criteria: ACMG Guidelines, 2015. Collection method: not provided. Allele origin: germline. Inheritance: Unknown mechanism. Affected: yes.